The following is an entry in ClinVar:

NM_015278.5(SASH1):c.1977T>C (p.Tyr659=)

Gene: SASH1 (SAM and SH3 domain containing 1; plus strand). Cytogenetic location: 6q25.1.
Variant type: single nucleotide variant.
Coding change: c.1977T>C on transcript NM_015278.5 (MANE Select); coding-DNA position 1977, T replaced by C.
Protein change: p.Tyr659=; no amino-acid change (tyrosine 659 retained).
Molecular consequence: synonymous variant.
Genome position (GRCh38, 1-based): chr6:148,534,783, T>C. VCF-style: chr6-148534783-T-C. GRCh37 (hg19) VCF-style: chr6-148855919-T-C.
Other names: c.1842T>C, p.Tyr614= (NM_001346505.2); c.1605T>C, p.Tyr535= (NM_001346506.2); c.1260T>C, p.Tyr420= (NM_001346507.2); c.1749T>C, p.Tyr583= (NM_001346508.2); c.1626T>C, p.Tyr542= (NM_001346509.2).
Identifiers: ClinVar variation 4534101 (VCV004534101.6).

ClinVar aggregate classification (germline): Likely benign (1 of 4 stars; one submission).

gnomAD v4.1: 671 of 1,614,204 alleles (0.042%); highest among the groups gnomAD compares: East Asian, 1.4%; 7 homozygotes.

Submission:

CeGaT Center for Human Genetics Tuebingen
Classification: Likely benign. Last evaluated: 2025-11-01. Review status: criteria provided, single submitter. Criteria: CeGaT Center For Human Genetics Tuebingen Variant Classification Criteria Version 2. Collection method: clinical testing. Allele origin: germline. Affected: yes. Observed: 1 variant allele.
Comment: SASH1: BP4, BP7, BS1